The following is an entry in ClinVar:

NM_001320752.2(STS):c.1325A>G (p.Asn442Ser)

Gene: STS (steroid sulfatase; plus strand). Cytogenetic location: Xp22.31.
Variant type: single nucleotide variant.
Coding change: c.1325A>G on transcript NM_001320752.2 (MANE Select); coding-DNA position 1325, A replaced by G.
Protein change: p.Asn442Ser; replaces asparagine 442 with serine.
Molecular consequence: missense variant.
Genome position (GRCh38, 1-based): chrX:7,334,069, A>G. VCF-style: chrX-7334069-A-G. GRCh37 (hg19) VCF-style: chrX-7252110-A-G.
Other names: c.1325A>G, p.Asn442Ser (NM_000351.7, NM_001320753.2, NM_001320754.2); c.1361A>G, p.Asn454Ser (NM_001320750.3, NM_001320751.2); short protein forms N442S, N454S.
Identifiers: ClinVar variation 4535296 (VCV004535296.6).

ClinVar aggregate classification (germline): Uncertain significance (1 of 4 stars; one submission).

Submission:

CeGaT Center for Human Genetics Tuebingen
Classification: Uncertain significance. Last evaluated: 2025-11-01. Review status: criteria provided, single submitter. Criteria: CeGaT Center For Human Genetics Tuebingen Variant Classification Criteria Version 2. Collection method: clinical testing. Allele origin: germline. Affected: yes. Observed: 1 variant allele.
Comment: STS: PM2